The following is an entry in ClinVar:

NM_021035.3(ZNFX1):c.2151+4A>G

Gene: ZNFX1 (zinc finger NFX1-type containing 1; minus strand). Cytogenetic location: 20q13.13.
Variant type: single nucleotide variant.
Coding change: c.2151+4A>G on transcript NM_021035.3 (MANE Select); 4 bases into the intron after coding-DNA position 2151, A replaced by G.
Molecular consequence: intron variant.
Genome position (GRCh38, 1-based): chr20:49,264,712, T>C on the plus strand (A>G on the coding strand, the complement: ZNFX1 is on the minus strand). VCF-style: chr20-49264712-T-C. GRCh37 (hg19) VCF-style: chr20-47881249-T-C.
Identifiers: ClinVar variation 2635542 (VCV002635542.1), dbSNP rs2516777016, ClinGen allele CA2653247656.
Genomic context (GRCh38, chr20:49,264,712, plus strand): 5'-AGCCACTGCTATCTTGTTTAGGTCCCTCTTGAACTACCCCAGATATTTCAGAGCTGGGAC[T>C]TACACTCATGTAGGCCCTTCGGAGGTGCATGGGGAGGTTGCGGCGGAATTCCCGCTTGTT-3'

ClinVar aggregate classification (germline): Uncertain significance (1 of 4 stars; one submission).

Conditions:
ZNFX1-related disorder. Also called: ZNFX1-related condition.

gnomAD v4.1: 1 of 1,613,620 alleles (0.000062%); no homozygotes.

Submission:

PreventionGenetics, part of Exact Sciences
Classification: Uncertain significance for ZNFX1-related condition. Last evaluated: 2022-11-07. Review status: criteria provided, single submitter. Criteria: ACMG Guidelines, 2015. Collection method: clinical testing. Allele origin: germline.
Comment: The ZNFX1 c.2151+4A>G variant is predicted to interfere with splicing. However, not many variants that impact splicing have been reported. To our knowledge, this variant has not been reported in the literature or in a large population database, indicating this variant is rare. At this time, the clinical significance of this variant is uncertain due to the absence of conclusive functional and genetic evidence.